The following is an entry in ClinVar:

NM_001035.3(RYR2):c.7972G>A (p.Glu2658Lys)

Gene: RYR2 (ryanodine receptor 2; plus strand). Cytogenetic location: 1q43.
Variant type: single nucleotide variant.
Coding change: c.7972G>A on transcript NM_001035.3 (MANE Select); coding-DNA position 7972, G replaced by A.
Protein change: p.Glu2658Lys; replaces glutamic acid 2658 with lysine.
Molecular consequence: missense variant.
Genome position (GRCh38, 1-based): chr1:237,655,827, G>A. VCF-style: chr1-237655827-G-A. GRCh37 (hg19) VCF-style: chr1-237819127-G-A.
Other names: short protein forms E2658K.
Identifiers: ClinVar variation 4539876 (VCV004539876.1).

ClinVar aggregate classification (germline): Uncertain significance (1 of 4 stars; one submission).

Submission:

GeneDx
Classification: Uncertain significance. Last evaluated: 2025-06-29. Review status: criteria provided, single submitter. Criteria: GeneDx Variant Classification Process June 2021. Collection method: clinical testing. Allele origin: germline. Affected: yes.
Comment: Not observed at significant frequency in large population cohorts (gnomAD); In silico analysis supports that this missense variant has a deleterious effect on protein structure/function; Has not been previously published as pathogenic or benign to our knowledge